The following is an entry in ClinVar:

NM_139057.4(ADAMTS17):c.1696A>C (p.Arg566=)

Genes: ADAMTS17 (ADAM metallopeptidase with thrombospondin type 1 motif 17; minus strand), LOC130058037 (ATAC-STARR-seq lymphoblastoid active region 10166; plus strand). Cytogenetic location: 15q26.3.
Variant type: single nucleotide variant.
Coding change: c.1696A>C on transcript NM_139057.4 (MANE Select); coding-DNA position 1696, A replaced by C.
Protein change: p.Arg566=; no amino-acid change (arginine 566 retained).
Molecular consequence: synonymous variant.
Genome position (GRCh38, 1-based): chr15:100,132,032, T>G on the plus strand (A>C on the coding strand, the complement: ADAMTS17 is on the minus strand). VCF-style: chr15-100132032-T-G. GRCh37 (hg19) VCF-style: chr15-100672237-T-G.
Other names: p.Arg566=.
Identifiers: ClinVar variation 315286 (VCV000315286.20), dbSNP rs12907333, ClinGen allele CA7758121.
Genomic context (GRCh38, chr15:100,132,032, plus strand): 5'-TGGCACGTTGGGGTATGGCTGGTCAGGGGACTTACGGGGGGTTGTCACATTTCCTCTGCC[T>G]GAAGCGGGCTCCCGTCCCACATGTTCGGCTGCACATGCTCCAGGCGCCCCACGGGCTCCA-3'
Protein context (NP_620688.2, residues 556-576): SRTCGTGARF[Arg566=]QRKCDNPPPG

ClinVar aggregate classification (germline): Benign/Likely benign. Review status: criteria provided, multiple submitters, no conflicts (2 of 4 stars). 9 submissions from 9 submitters: Benign (6); Likely benign (1). 2 of the submissions do not count toward it. Last evaluated 2026-02-04.

Conditions:
Weill-Marchesani 4 syndrome, recessive. Also called: Weill-Marchesani syndrome 4. Identifiers: Orphanet 363992, MedGen C2750787, MONDO:0013176, OMIM 613195.

Allele frequency attached by ClinVar (database versions not stated): 1000 Genomes Project 0.99760; ESP Exome Variant Server 0.99839; TOPMed 0.99856; gnomAD exomes 0.99986; 1000 Genomes Project 30x 0.99703.
gnomAD v4.1: 1,613,776 of 1,614,194 alleles (100%); highest among the groups gnomAD compares: East Asian, 100%; 806,681 homozygotes.

Submissions (9):

Labcorp Genetics (formerly Invitae), Labcorp
Classification: Benign. Last evaluated: 2026-02-04. Review status: criteria provided, single submitter. Criteria: Invitae Variant Classification Sherloc (09022015). Collection method: clinical testing. Allele origin: germline.

Mayo Clinic Laboratories, Mayo Clinic
Classification: Likely benign. Last evaluated: 2025-01-13. Review status: criteria provided, single submitter. Criteria: ACMG Guidelines, 2015. Collection method: clinical testing. Allele origin: germline. Observed: 732 variant alleles.

Blueprint Genetics
Classification: Benign. Last evaluated: 2024-11-27. Review status: criteria provided, single submitter. Criteria: ACMG Guidelines, 2015. Collection method: clinical testing. Allele origin: germline.

Genome-Nilou Lab
Classification: Benign for Weill-Marchesani 4 syndrome, recessive. Last evaluated: 2021-07-14. Review status: criteria provided, single submitter. Criteria: ACMG Guidelines, 2015. Collection method: clinical testing. Allele origin: germline. Affected: no.

GeneDx
Classification: Benign. Last evaluated: 2018-09-06. Review status: criteria provided, single submitter. Criteria: GeneDx Variant Classification Process June 2021. Collection method: clinical testing. Allele origin: germline. Affected: yes.

Illumina Laboratory Services, Illumina
Classification: Benign for Weill-Marchesani 4 syndrome, recessive. Last evaluated: 2018-01-12. Review status: criteria provided, single submitter. Criteria: ICSL Variant Classification Criteria 13 December 2019. Collection method: clinical testing. Allele origin: germline.
Comment: This variant was observed in the ICSL laboratory as part of a predisposition screen in an ostensibly healthy population. It had not been previously curated by ICSL or reported in the Human Gene Mutation Database (HGMD: prior to June 1st, 2018), and was therefore a candidate for classification through an automated scoring system. Utilizing variant allele frequency, disease prevalence and penetrance estimates, and inheritance mode, an automated score was calculated to assess if this variant is too frequent to cause the disease. Based on the score and internal cut-off values, a variant classified as benign is not then subjected to further curation. The score for this variant resulted in a classification of benign for this disease.

Breakthrough Genomics
Classification: Benign. Review status: criteria provided, single submitter. Criteria: ACMG Guidelines, 2015. Collection method: not provided. Allele origin: germline. Inheritance: Autosomal recessive inheritance. Affected: yes.

Diagnostic Laboratory, Department of Genetics, University Medical Center Groningen
Classification: Benign for Weill-Marchesani 4 syndrome, recessive. Review status: no assertion criteria provided. Collection method: clinical testing. Allele origin: germline. Affected: yes. Study: VKGL Data-share Consensus. Not counted in ClinVar's aggregate classification.

Genome Diagnostics Laboratory, Amsterdam University Medical Center
Classification: Benign. Review status: no assertion criteria provided. Collection method: clinical testing. Allele origin: germline. Affected: yes. Study: VKGL Data-share Consensus. Not counted in ClinVar's aggregate classification.